The following is an entry in ClinVar:

ClinVar aggregate classification (germline): Uncertain significance. Review status: criteria provided, multiple submitters, no conflicts (2 of 4 stars). 3 submissions from 3 submitters: Uncertain significance (3). Last evaluated 2026-01-28.

Conditions:
Inborn genetic diseases. Identifiers: MedGen C0950123, MeSH D030342.
Paroxysmal nonkinesigenic dyskinesia. Also called: Paroxysmal non-kinesigenic dyskinesia. Identifiers: Orphanet 98810, MedGen C1869117, MONDO:0700088.
Paroxysmal nonkinesigenic dyskinesia 1 (PNKD1). Also called: Nonkinesigenic choreoathetosis; Familial paroxysmal choreoathetosis; DYSTONIA 8; Familial Paroxysmal Nonkinesigenic Dyskinesia; MOUNT-REBACK SYNDROME; PxMD-PNKD. Identifiers: Orphanet 98810, MedGen C4551506, MONDO:0700089, OMIM 118800, MONDO:0007326.

Allele frequency attached by ClinVar (database versions not stated): TOPMed 0.00002; ExAC 0.00003; gnomAD 0.00003; gnomAD exomes 0.00003.
gnomAD v4.1: 22 of 1,613,008 alleles (0.0014%); highest among the groups gnomAD compares: East Asian, 0.0045%; no homozygotes.

Submissions (3):

Labcorp Genetics (formerly Invitae), Labcorp
Classification: Uncertain significance for Paroxysmal nonkinesigenic dyskinesia. Last evaluated: 2026-01-28. Review status: criteria provided, single submitter. Criteria: Invitae Variant Classification Sherloc (09022015). Collection method: clinical testing. Allele origin: germline.
Comment: This sequence change replaces arginine, which is basic and polar, with glutamine, which is neutral and polar, at codon 101 of the PNKD protein (p.Arg101Gln). This variant is present in population databases (rs368934552, gnomAD 0.02%). This variant has not been reported in the literature in individuals affected with PNKD-related conditions. ClinVar contains an entry for this variant (Variation ID: 334312). Invitae Evidence Modeling of protein sequence and biophysical properties (such as structural, functional, and spatial information, amino acid conservation, physicochemical variation, residue mobility, and thermodynamic stability) indicates that this missense variant is not expected to disrupt PNKD protein function with a negative predictive value of 80%. In summary, the available evidence is currently insufficient to determine the role of this variant in disease. Therefore, it has been classified as a Variant of Uncertain Significance.

Ambry Genetics
Classification: Uncertain significance for Inborn genetic diseases. Last evaluated: 2024-03-20. Review status: criteria provided, single submitter. Criteria: Ambry Variant Classification Scheme 2023. Collection method: clinical testing. Allele origin: germline.

Illumina Laboratory Services, Illumina
Classification: Uncertain significance for Paroxysmal nonkinesigenic dyskinesia 1. Last evaluated: 2018-01-13. Review status: criteria provided, single submitter. Criteria: ICSL Variant Classification Criteria 13 December 2019. Collection method: clinical testing. Allele origin: germline.

NM_015488.5(PNKD):c.302G>A (p.Arg101Gln)

Genes: PNKD (PNKD metallo-beta-lactamase domain containing; plus strand), CATIP-AS2 (CATIP antisense RNA 2; minus strand). Cytogenetic location: 2q35.
Variant type: single nucleotide variant.
Coding change: c.302G>A on transcript NM_015488.5 (MANE Select); coding-DNA position 302, G replaced by A.
Protein change: p.Arg101Gln; replaces arginine 101 with glutamine.
Molecular consequence: missense variant.
Genome position (GRCh38, 1-based): chr2:218,339,848, G>A. VCF-style: chr2-218339848-G-A. GRCh37 (hg19) VCF-style: chr2-219204571-G-A.
Other names: c.230G>A, p.Arg77Gln (NM_022572.5); short protein forms R101Q, R77Q.
Identifiers: ClinVar variation 334312 (VCV000334312.15), dbSNP rs368934552, ClinGen allele CA2103888.